The following is an entry in ClinVar:

NM_052844.4(DYNC2I2):c.130G>T (p.Gly44Cys)

Gene: DYNC2I2 (dynein 2 intermediate chain 2; minus strand). Cytogenetic location: 9q34.11.
Variant type: single nucleotide variant.
Coding change: c.130G>T on transcript NM_052844.4 (MANE Select); coding-DNA position 130, G replaced by T.
Protein change: p.Gly44Cys; replaces glycine 44 with cysteine.
Molecular consequence: missense variant.
Genome position (GRCh38, 1-based): chr9:128,656,597, C>A on the plus strand (G>T on the coding strand, the complement: DYNC2I2 is on the minus strand). VCF-style: chr9-128656597-C-A. GRCh37 (hg19) VCF-style: chr9-131418876-C-A.
Other names: short protein forms G44C.
Identifiers: ClinVar variation 2121518 (VCV002121518.4), dbSNP rs754106562, ClinGen allele CA375050946.

ClinVar aggregate classification (germline): Uncertain significance (1 of 4 stars; one submission).

Conditions:
Short-rib thoracic dysplasia 11 with or without polydactyly (SRTD11). Also called: SHORT-RIB THORACIC DYSPLASIA 11 WITHOUT POLYDACTYLY. Identifiers: Orphanet 474, Orphanet 93271, MedGen C3810200, MONDO:0014287, OMIM 615633.

Submission:

Labcorp Genetics (formerly Invitae), Labcorp
Classification: Uncertain significance for Short-rib thoracic dysplasia 11 with or without polydactyly. Last evaluated: 2022-04-04. Review status: criteria provided, single submitter. Criteria: Invitae Variant Classification Sherloc (09022015). Collection method: clinical testing. Allele origin: germline.
Comment: This variant has not been reported in the literature in individuals affected with WDR34-related conditions. This sequence change replaces glycine, which is neutral and non-polar, with cysteine, which is neutral and slightly polar, at codon 44 of the WDR34 protein (p.Gly44Cys). This variant is not present in population databases (gnomAD no frequency). Algorithms developed to predict the effect of missense changes on protein structure and function are either unavailable or do not agree on the potential impact of this missense change (SIFT: "Tolerated"; PolyPhen-2: "Possibly Damaging"; Align-GVGD: "Class C0"). In summary, the available evidence is currently insufficient to determine the role of this variant in disease. Therefore, it has been classified as a Variant of Uncertain Significance.